The following is an entry in ClinVar:

NM_000342.4(SLC4A1):c.1795G>A (p.Gly599Ser)

Gene: SLC4A1 (solute carrier family 4 member 1 (Diego blood group); minus strand). Cytogenetic location: 17q21.31.
Variant type: single nucleotide variant.
Coding change: c.1795G>A on transcript NM_000342.4 (MANE Select); coding-DNA position 1795, G replaced by A.
Protein change: p.Gly599Ser; replaces glycine 599 with serine.
Molecular consequence: missense variant.
Genome position (GRCh38, 1-based): chr17:44,255,678, C>T on the plus strand (G>A on the coding strand, the complement: SLC4A1 is on the minus strand). VCF-style: chr17-44255678-C-T. GRCh37 (hg19) VCF-style: chr17-42333046-C-T.
Other names: short protein forms G599S.
Identifiers: ClinVar variation 2530097 (VCV002530097.3), dbSNP rs2509964044, ClinGen allele CA399784023.

ClinVar aggregate classification (germline): Uncertain significance. Review status: criteria provided, multiple submitters, no conflicts (2 of 4 stars). 2 submissions from 2 submitters: Uncertain significance (2). Last evaluated 2025-11-26.

Conditions:
Inborn genetic diseases. Identifiers: MedGen C0950123, MeSH D030342.

Submissions (2):

Women's Health and Genetics/Laboratory Corporation of America, LabCorp
Classification: Uncertain significance. Last evaluated: 2025-11-26. Review status: criteria provided, single submitter. Criteria: LabCorp Variant Classification Summary - May 2015. Collection method: clinical testing. Allele origin: germline.
Comment: Variant summary: SLC4A1 c.1795G>A (p.Gly599Ser) results in a non-conservative amino acid change in the encoded protein sequence. Algorithms developed to predict the effect of missense changes on protein structure and function are either unavailable or do not agree on the potential impact of this missense change. The variant was absent in 251426 control chromosomes. The available data on variant occurrences in the general population are insufficient to allow any conclusion about variant significance. To our knowledge, no occurrence of c.1795G>A in individuals affected with SLC4A1-related conditions and no experimental evidence demonstrating its impact on protein function have been reported. ClinVar contains an entry for this variant (Variation ID: 2530097). Based on the evidence outlined above, the variant was classified as uncertain significance.

Ambry Genetics
Classification: Uncertain significance for Inborn genetic diseases. Last evaluated: 2023-03-27. Review status: criteria provided, single submitter. Criteria: Ambry Variant Classification Scheme 2023. Collection method: clinical testing. Allele origin: germline.